The following is an entry in ClinVar:

ClinVar aggregate classification (germline): Uncertain significance. Review status: criteria provided, multiple submitters, no conflicts (2 of 4 stars). 2 submissions from 2 submitters: Uncertain significance (2). Last evaluated 2024-10-14.

Conditions:
Developmental and epileptic encephalopathy, 42 (DEE42A). Also called: DEVELOPMENTAL AND EPILEPTIC ENCEPHALOPATHY 42A; EPILEPTIC ENCEPHALOPATHY, EARLY INFANTILE, 42A; Epileptic encephalopathy, early infantile, 42. Identifiers: MedGen C4310716, MONDO:0014917, OMIM 617106.
Episodic ataxia type 2 (EA2). Also called: ACETAZOLAMIDE-RESPONSIVE HEREDITARY PAROXYSMAL CEREBELLAR ATAXIA; EPISODIC ATAXIA, NYSTAGMUS-ASSOCIATED; ATAXIA, EPISODIC, WITH NYSTAGMUS; ATAXIA, FAMILIAL PAROXYSMAL; CEREBELLAR ATAXIA, PAROXYSMAL, ACETAZOLAMIDE-RESPONSIVE; CEREBELLOPATHY, HEREDITARY PAROXYSMAL. Identifiers: Orphanet 97, MedGen C1720416, MONDO:0007163, OMIM 108500.

Allele frequency attached by ClinVar (database versions not stated): gnomAD exomes below 0.00001.
gnomAD v4.1: 3 of 1,613,796 alleles (0.00019%); highest among the groups gnomAD compares: South Asian, 0.0022%; no homozygotes.

Submissions (2):

Labcorp Genetics (formerly Invitae), Labcorp
Classification: Uncertain significance for Developmental and epileptic encephalopathy, 42; Episodic ataxia type 2. Last evaluated: 2024-10-14. Review status: criteria provided, single submitter. Criteria: Invitae Variant Classification Sherloc (09022015). Collection method: clinical testing. Allele origin: germline.
Comment: This sequence change replaces methionine, which is neutral and non-polar, with valine, which is neutral and non-polar, at codon 2085 of the CACNA1A protein (p.Met2085Val). This variant is present in population databases (no rsID available, gnomAD 0.0009%). This variant has not been reported in the literature in individuals affected with CACNA1A-related conditions. ClinVar contains an entry for this variant (Variation ID: 1021411). Invitae Evidence Modeling of protein sequence and biophysical properties (such as structural, functional, and spatial information, amino acid conservation, physicochemical variation, residue mobility, and thermodynamic stability) indicates that this missense variant is not expected to disrupt CACNA1A protein function with a negative predictive value of 95%. In summary, the available evidence is currently insufficient to determine the role of this variant in disease. Therefore, it has been classified as a Variant of Uncertain Significance.

GeneDx
Classification: Uncertain significance. Last evaluated: 2023-10-16. Review status: criteria provided, single submitter. Criteria: GeneDx Variant Classification Process June 2021. Collection method: clinical testing. Allele origin: germline. Affected: yes.
Comment: Not observed at significant frequency in large population cohorts (gnomAD); In silico analysis supports that this missense variant has a deleterious effect on protein structure/function; Has not been previously published as pathogenic or benign to our knowledge

NM_001127222.2(CACNA1A):c.6250A>G (p.Met2084Val)

Gene: CACNA1A (calcium voltage-gated channel subunit alpha1 A; minus strand). Cytogenetic location: 19p13.13.
Variant type: single nucleotide variant.
Coding change: c.6250A>G on transcript NM_001127222.2 (MANE Select); coding-DNA position 6250, A replaced by G.
Protein change: p.Met2084Val; replaces methionine 2084 with valine.
Molecular consequence: missense variant.
Genome position (GRCh38, 1-based): chr19:13,212,156, T>C on the plus strand (A>G on the coding strand, the complement: CACNA1A is on the minus strand). VCF-style: chr19-13212156-T-C. GRCh37 (hg19) VCF-style: chr19-13322970-T-C.
Other names: c.6253A>G (NM_001127221.1); c.6268A>G, p.Met2090Val (NM_000068.4, NM_023035.3); c.6253A>G, p.Met2085Val (NM_001127221.2); c.6259A>G, p.Met2087Val (NM_001174080.2); short protein forms M2084V, M2085V, M2087V, M2090V.
Identifiers: ClinVar variation 1021411 (VCV001021411.8), dbSNP rs1451713531, ClinGen allele CA404332293.